The following is an entry in ClinVar:

NM_012301.4(MAGI2):c.2704A>G (p.Ser902Gly)

Gene: MAGI2 (membrane associated guanylate kinase, WW and PDZ domain containing 2; minus strand). Cytogenetic location: 7q21.11.
Variant type: single nucleotide variant.
Coding change: c.2704A>G on transcript NM_012301.4 (MANE Select); coding-DNA position 2704, A replaced by G.
Protein change: p.Ser902Gly; replaces serine 902 with glycine.
Molecular consequence: missense variant.
Genome position (GRCh38, 1-based): chr7:78,160,166, T>C on the plus strand (A>G on the coding strand, the complement: MAGI2 is on the minus strand). VCF-style: chr7-78160166-T-C. GRCh37 (hg19) VCF-style: chr7-77789483-T-C.
Other names: c.2662A>G, p.Ser888Gly (NM_001301128.2); short protein forms S888G, S902G.
Identifiers: ClinVar variation 3010464 (VCV003010464.3), dbSNP rs934412349, ClinGen allele CA161056559.
Genomic context (GRCh38, chr7:78,160,166, plus strand): 5'-CCACATCACTGGTCTGCAGGCTGTGGGAGGCGAAGCCTTCAGGGGGAGAGGCATTGCTAC[T>C]GGGGGCAGCGTGGTTGCTGTTGGTGTAGGTTGCGTAGTCACTGCGTGGAGAGCTGTGGTG-3'
Protein context (NP_036433.2, residues 892-912): TYTNSNHAAP[Ser902Gly]SNASPPEGFA

ClinVar aggregate classification (germline): Uncertain significance (1 of 4 stars; one submission).

Allele frequency attached by ClinVar (database versions not stated): gnomAD exomes below 0.00001; TOPMed 0.00004; gnomAD 0.00001.
gnomAD v4.1: 3 of 1,612,752 alleles (0.00019%); highest among the groups gnomAD compares: African/African-American, 0.004%; no homozygotes.

Submission:

Labcorp Genetics (formerly Invitae), Labcorp
Classification: Uncertain significance. Last evaluated: 2025-06-12. Review status: criteria provided, single submitter. Criteria: Invitae Variant Classification Sherloc (09022015). Collection method: clinical testing. Allele origin: germline.
Comment: This sequence change replaces serine, which is neutral and polar, with glycine, which is neutral and non-polar, at codon 902 of the MAGI2 protein (p.Ser902Gly). This variant is present in population databases (no rsID available, gnomAD 0.004%). This variant has not been reported in the literature in individuals affected with MAGI2-related conditions. ClinVar contains an entry for this variant (Variation ID: 3010464). An algorithm developed to predict the effect of missense changes on protein structure and function (PolyPhen-2) suggests that this variant is likely to be tolerated. In summary, the available evidence is currently insufficient to determine the role of this variant in disease. Therefore, it has been classified as a Variant of Uncertain Significance.